The following is an entry in ClinVar:

ClinVar aggregate classification (germline): Uncertain significance. Review status: criteria provided, multiple submitters, no conflicts (2 of 4 stars). 3 submissions from 3 submitters: Uncertain significance (3). Last evaluated 2025-02-03.

Allele frequency attached by ClinVar (database versions not stated): ExAC 0.00019; TOPMed 0.00026; gnomAD 0.00027 and 0.00029.
gnomAD v4.1: 633 of 1,613,938 alleles (0.039%); highest among the groups gnomAD compares: Non-Finnish European, 0.049%; no homozygotes.

Submissions (3):

Labcorp Genetics (formerly Invitae), Labcorp
Classification: Uncertain significance. Last evaluated: 2025-02-03. Review status: criteria provided, single submitter. Criteria: Invitae Variant Classification Sherloc (09022015). Collection method: clinical testing. Allele origin: germline.
Comment: This sequence change replaces aspartic acid, which is acidic and polar, with glutamic acid, which is acidic and polar, at codon 366 of the KIAA1161 protein (p.Asp366Glu). This variant is present in population databases (rs767437127, gnomAD 0.04%). This variant has not been reported in the literature in individuals affected with KIAA1161-related conditions. ClinVar contains an entry for this variant (Variation ID: 1051983). Invitae Evidence Modeling of protein sequence and biophysical properties (such as structural, functional, and spatial information, amino acid conservation, physicochemical variation, residue mobility, and thermodynamic stability) indicates that this missense variant is not expected to disrupt KIAA1161 protein function with a negative predictive value of 80%. In summary, the available evidence is currently insufficient to determine the role of this variant in disease. Therefore, it has been classified as a Variant of Uncertain Significance.

CeGaT Center for Human Genetics Tuebingen
Classification: Uncertain significance. Last evaluated: 2024-10-01. Review status: criteria provided, single submitter. Criteria: CeGaT Center For Human Genetics Tuebingen Variant Classification Criteria Version 2. Collection method: clinical testing. Allele origin: germline. Affected: yes. Observed: 1 variant allele.
Comment: MYORG: PM2

Ambry Genetics
Classification: Uncertain significance. Last evaluated: 2024-06-17. Review status: criteria provided, single submitter. Criteria: Ambry Variant Classification Scheme 2023. Collection method: clinical testing. Allele origin: germline.

NM_020702.5(MYORG):c.1098T>G (p.Asp366Glu)

Gene: MYORG (myogenesis regulating glycosidase; minus strand). Cytogenetic location: 9p13.3.
Variant type: single nucleotide variant.
Coding change: c.1098T>G on transcript NM_020702.5 (MANE Select); coding-DNA position 1098, T replaced by G.
Protein change: p.Asp366Glu; replaces aspartic acid 366 with glutamic acid.
Molecular consequence: missense variant.
Genome position (GRCh38, 1-based): chr9:34,371,846, A>C on the plus strand (T>G on the coding strand, the complement: MYORG is on the minus strand). VCF-style: chr9-34371846-A-C. GRCh37 (hg19) VCF-style: chr9-34371844-A-C.
Other names: c.1098T>G (NM_020702.3); short protein forms D366E.
Identifiers: ClinVar variation 1051983 (VCV001051983.23), dbSNP rs767437127, ClinGen allele CA5033003.
Genomic context (GRCh38, chr9:34,371,846, plus strand): 5'-GCGGAAGCCGGCGTCGCGCAGGCGGCGGAACATGTCGCTGGCGTTGGGGAATTTGACCTC[A>C]TCGAAGTCGAAGTCGCCATAAGCAGGTGTGTACATGTCGTCGATTTCCAGGTGGCTGCTG-3'
Protein context (NP_065753.2, residues 356-376): YTPAYGDFDF[Asp366Glu]EVKFPNASDM